The following is an entry in ClinVar:

NM_000212.3(ITGB3):c.368C>T (p.Ser123Leu)

Gene: ITGB3 (integrin subunit beta 3; plus strand). Cytogenetic location: 17q21.32.
Variant type: single nucleotide variant.
Coding change: c.368C>T on transcript NM_000212.3 (MANE Select); coding-DNA position 368, C replaced by T.
Protein change: p.Ser123Leu; replaces serine 123 with leucine.
Molecular consequence: missense variant.
Genome position (GRCh38, 1-based): chr17:47,284,449, C>T. VCF-style: chr17-47284449-C-T. GRCh37 (hg19) VCF-style: chr17-45361815-C-T.
Other names: short protein forms S123L.
Identifiers: ClinVar variation 3769107 (VCV003769107.3).

ClinVar aggregate classification (germline): Uncertain significance. Review status: criteria provided, multiple submitters, no conflicts (2 of 4 stars). 2 submissions from 2 submitters: Uncertain significance (2). Last evaluated 2025-02-15.

Submissions (2):

Labcorp Genetics (formerly Invitae), Labcorp
Classification: Uncertain significance. Last evaluated: 2025-02-15. Review status: criteria provided, single submitter. Criteria: Invitae Variant Classification Sherloc (09022015). Collection method: clinical testing. Allele origin: germline.
Comment: This sequence change replaces serine, which is neutral and polar, with leucine, which is neutral and non-polar, at codon 123 of the ITGB3 protein (p.Ser123Leu). This variant is present in population databases (rs755704884, gnomAD 0.003%). This variant has not been reported in the literature in individuals affected with ITGB3-related conditions. Invitae Evidence Modeling of protein sequence and biophysical properties (such as structural, functional, and spatial information, amino acid conservation, physicochemical variation, residue mobility, and thermodynamic stability) has been performed for this missense variant. However, the output from this modeling did not meet the statistical confidence thresholds required to predict the impact of this variant on ITGB3 protein function. In summary, the available evidence is currently insufficient to determine the role of this variant in disease. Therefore, it has been classified as a Variant of Uncertain Significance.

Women's Health and Genetics/Laboratory Corporation of America, LabCorp
Classification: Uncertain significance. Last evaluated: 2025-01-14. Review status: criteria provided, single submitter. Criteria: LabCorp Variant Classification Summary - May 2015. Collection method: clinical testing. Allele origin: germline.
Comment: Variant summary: ITGB3 c.368C>T (p.Ser123Leu) results in a non-conservative amino acid change located in the Integrin beta subunits (N-terminal portion of extracellular region) (IPR002369) of the encoded protein sequence. Four of five in-silico tools predict a damaging effect of the variant on protein function. The variant allele was found at a frequency of 2e-05 in 251448 control chromosomes (gnomAD). The available data on variant occurrences in the general population are insufficient to allow any conclusion about variant significance. c.368C>T has not been reported in the literature in individuals affected with Glanzmann Thrombasthenia 2. To our knowledge, no experimental evidence demonstrating an impact on protein function has been reported. No submitters have cited clinical-significance assessments for this variant to ClinVar. Based on the evidence outlined above, the variant was classified as uncertain significance.

Literature cited by the submitters: PubMed 32110192 (cited by Women's Health and Genetics/Laboratory Corporation of America, LabCorp).